The following is an entry in ClinVar:

ClinVar aggregate classification (germline): Likely benign (1 of 4 stars; one submission).

gnomAD v4.1: 4 of 1,555,230 alleles (0.00026%); highest among the groups gnomAD compares: Middle Eastern, 0.017%; no homozygotes.

Submission:

CeGaT Center for Human Genetics Tuebingen
Classification: Likely benign. Last evaluated: 2024-10-01. Review status: criteria provided, single submitter. Criteria: CeGaT Center For Human Genetics Tuebingen Variant Classification Criteria Version 2. Collection method: clinical testing. Allele origin: germline. Affected: yes. Observed: 1 variant allele.
Comment: ABCA2: BP4, BP7

NM_001606.5(ABCA2):c.5604G>C (p.Thr1868=)

Gene: ABCA2 (ATP binding cassette subfamily A member 2; minus strand). Cytogenetic location: 9q34.3.
Variant type: single nucleotide variant.
Coding change: c.5604G>C on transcript NM_001606.5 (MANE Select); coding-DNA position 5604, G replaced by C.
Protein change: p.Thr1868=; no amino-acid change (threonine 1868 retained).
Molecular consequence: synonymous variant.
Genome position (GRCh38, 1-based): chr9:137,011,681, C>G on the plus strand (G>C on the coding strand, the complement: ABCA2 is on the minus strand). VCF-style: chr9-137011681-C-G. GRCh37 (hg19) VCF-style: chr9-139906133-C-G.
Other names: c.5694G>C, p.Thr1898= (NM_212533.3); c.5601G>C, p.Thr1867= (NM_001411042.1).
Identifiers: ClinVar variation 3389034 (VCV003389034.14).